The following is an entry in ClinVar:

ClinVar aggregate classification (germline): Conflicting classifications of pathogenicity. Review status: criteria provided, conflicting classifications (1 of 4 stars). 3 submissions from 3 submitters: Uncertain significance (2); Likely benign (1). Last evaluated 2025-04-27.

Conditions:
Hereditary cancer-predisposing syndrome. Also called: Tumor predisposition; Hereditary Cancer Syndrome; Hereditary neoplastic syndrome; Neoplastic Syndromes, Hereditary. Identifiers: Orphanet 140162, MedGen C0027672, MeSH D009386, MONDO:0015356.
POLD1-related polyposis and colorectal cancer syndrome (CRCS10). Also called: Colorectal cancer 10; COLORECTAL CANCER, SUSCEPTIBILITY TO, ON CHROMOSOME 19q; Colorectal cancer, susceptibility to, 10. Identifiers: Orphanet 220460, MedGen C2675481, MONDO:0012953, OMIM 612591.

Allele frequency attached by ClinVar (database versions not stated): TOPMed below 0.00001; gnomAD exomes 0.00001; ExAC 0.00006.

Submissions (3):

Labcorp Genetics (formerly Invitae), Labcorp
Classification: Uncertain significance for POLD1-related polyposis and colorectal cancer syndrome. Last evaluated: 2025-04-27. Review status: criteria provided, single submitter. Criteria: Invitae Variant Classification Sherloc (09022015). Collection method: clinical testing. Allele origin: germline.
Comment: This sequence change replaces arginine, which is basic and polar, with histidine, which is basic and polar, at codon 1008 of the POLD1 protein (p.Arg1008His). The frequency data for this variant in the population databases is considered unreliable, as metrics indicate poor data quality at this position in the gnomAD database. This variant has not been reported in the literature in individuals affected with POLD1-related conditions. ClinVar contains an entry for this variant (Variation ID: 517284). Invitae Evidence Modeling of protein sequence and biophysical properties (such as structural, functional, and spatial information, amino acid conservation, physicochemical variation, residue mobility, and thermodynamic stability) indicates that this missense variant is not expected to disrupt POLD1 protein function with a negative predictive value of 80%. In summary, the available evidence is currently insufficient to determine the role of this variant in disease. Therefore, it has been classified as a Variant of Uncertain Significance.

Ambry Genetics
Classification: Likely benign for Hereditary cancer-predisposing syndrome. Last evaluated: 2025-03-04. Review status: criteria provided, single submitter. Criteria: Ambry Variant Classification Scheme 2023. Collection method: clinical testing. Allele origin: germline.

Laboratory for Molecular Medicine, Mass General Brigham Personalized Medicine
Classification: Uncertain significance. Last evaluated: 2017-04-05. Review status: criteria provided, single submitter. Criteria: LMM Criteria. Collection method: clinical testing. Allele origin: germline. Observed: 1 variant allele.
Comment: The p.Arg1008His variant in POLD1 has not been previously reported in individual s with colorectal cancer. Data from large population studies is insufficient to assess the frequency of this variant. Computational prediction tools and conserv ation analysis do not provide strong support for or against an impact to the pro tein. In summary, the clinical significance of the p.Arg1008His variant is uncer tain.

NM_002691.4(POLD1):c.3023G>A (p.Arg1008His)

Gene: POLD1 (DNA polymerase delta 1, catalytic subunit; plus strand). Cytogenetic location: 19q13.33.
Variant type: single nucleotide variant.
Coding change: c.3023G>A on transcript NM_002691.4 (MANE Select); coding-DNA position 3023, G replaced by A.
Protein change: p.Arg1008His; replaces arginine 1008 with histidine.
Molecular consequence: missense variant. On other transcripts: non-coding transcript variant (1).
Genome position (GRCh38, 1-based): chr19:50,416,679, G>A. VCF-style: chr19-50416679-G-A. GRCh37 (hg19) VCF-style: chr19-50919936-G-A.
Other names: c.3023G>A, p.Arg1008His (NM_001256849.1); c.3101G>A, p.Arg1034His (NM_001308632.1); c.3023G>A (NM_002691.2); short protein forms R1008H, R1034H.
Identifiers: ClinVar variation 517284 (VCV000517284.15), dbSNP rs763747258, ClinGen allele CA9596729.